The following is an entry in ClinVar:

NM_001478.5(B4GALNT1):c.1455C>G (p.Ser485=)

Gene: B4GALNT1 (beta-1,4-N-acetyl-galactosaminyltransferase 1; minus strand). Cytogenetic location: 12q13.3.
Variant type: single nucleotide variant.
Coding change: c.1455C>G on transcript NM_001478.5 (MANE Select); coding-DNA position 1455, C replaced by G.
Protein change: p.Ser485=; no amino-acid change (serine 485 retained).
Molecular consequence: synonymous variant.
Genome position (GRCh38, 1-based): chr12:57,626,891, G>C on the plus strand (C>G on the coding strand, the complement: B4GALNT1 is on the minus strand). VCF-style: chr12-57626891-G-C. GRCh37 (hg19) VCF-style: chr12-58020674-G-C.
Other names: c.1290C>G, p.Ser430= (NM_001276468.2).
Identifiers: ClinVar variation 383660 (VCV000383660.24), dbSNP rs145611777, ClinGen allele CA6655430.

ClinVar aggregate classification (germline): Benign/Likely benign. Review status: criteria provided, multiple submitters, no conflicts (2 of 4 stars). 6 submissions from 6 submitters: Benign (1); Likely benign (4). 1 of the submissions does not count toward it. Last evaluated 2026-02-01.

Conditions:
Spastic paraplegia. Identifiers: MedGen C0037772, HP:0001258.
B4GALNT1-related disorder. Also called: B4GALNT1-related condition.

Allele frequency attached by ClinVar (database versions not stated): gnomAD exomes 0.00030 and 0.00082; ExAC 0.00107; gnomAD 0.00310 and 0.00327; TOPMed 0.00344; ESP Exome Variant Server 0.00354; 1000 Genomes Project 0.00439; 1000 Genomes Project 30x 0.00453.
gnomAD v4.1: 933 of 1,614,192 alleles (0.058%); highest among the groups gnomAD compares: African/African-American, 1.1%; 4 homozygotes.

Submissions (6):

CeGaT Center for Human Genetics Tuebingen
Classification: Likely benign. Last evaluated: 2026-02-01. Review status: criteria provided, single submitter. Criteria: CeGaT Center For Human Genetics Tuebingen Variant Classification Criteria Version 2. Collection method: clinical testing. Allele origin: germline. Affected: yes. Observed: 2 variant alleles.
Comment: B4GALNT1: BP4, BP7, BS1

Labcorp Genetics (formerly Invitae), Labcorp
Classification: Benign for Spastic paraplegia. Last evaluated: 2025-12-17. Review status: criteria provided, single submitter. Criteria: Invitae Variant Classification Sherloc (09022015). Collection method: clinical testing. Allele origin: germline.

Blueprint Genetics
Classification: Likely benign. Last evaluated: 2024-10-18. Review status: criteria provided, single submitter. Criteria: ACMG Guidelines, 2015. Collection method: clinical testing. Allele origin: germline.

GeneDx
Classification: Likely benign. Last evaluated: 2021-02-24. Review status: criteria provided, single submitter. Criteria: GeneDx Variant Classification Process June 2021. Collection method: clinical testing. Allele origin: germline. Affected: yes.

Breakthrough Genomics
Classification: Likely benign. Review status: criteria provided, single submitter. Criteria: ACMG Guidelines, 2015. Collection method: not provided. Allele origin: germline. Inheritance: Autosomal recessive inheritance. Affected: yes.

PreventionGenetics, part of Exact Sciences
Classification: Benign for B4GALNT1-related condition. Last evaluated: 2024-04-02. Review status: no assertion criteria provided. Collection method: clinical testing. Allele origin: germline. Not counted in ClinVar's aggregate classification.
Comment: This variant is classified as benign based on ACMG/AMP sequence variant interpretation guidelines (Richards et al. 2015 PMID: 25741868, with internal and published modifications).